The following is an entry in ClinVar:

NM_016239.4(MYO15A):c.6589_6601del (p.Gln2197fs)

Gene: MYO15A (myosin XVA; plus strand). Cytogenetic location: 17p11.2.
Variant type: Deletion.
Coding change: c.6589_6601del on transcript NM_016239.4 (MANE Select); coding-DNA positions 6589 to 6601, 13 bases deleted (CAGCAGGGCTCGG).
Protein change: p.Gln2197fs; shifts the reading frame from glutamine 2197.
Molecular consequence: frameshift variant.
Genome position (GRCh38, 1-based): chr17:18,148,108-18,148,120, CAGCAGGGCTCGG deleted. VCF-style (leftmost placement, unchanged base first): chr17-18148107-ACAGCAGGGCTCGG-A. GRCh37 (hg19) VCF-style: chr17-18051421-ACAGCAGGGCTCGG-A.
Other names: short protein forms Q2197fs.
Identifiers: ClinVar variation 3671331 (VCV003671331.2).
Genomic context (GRCh38, chr17:18,148,107, plus strand): 5'-GCGGAATGGCTTCCAGGCTGTGTGTCAGCACCGCCTCATGCAGGCCATGGGCCGGGCCCA[ACAGCAGGGCTCGG>A]GGGCTGCCCGCACCTTACCCCCGACCCAGCTCGAGTGGACAGCGACCTATGAGAAGGCCA-3'

ClinVar aggregate classification (germline): Pathogenic (1 of 4 stars; one submission).

Submission:

Labcorp Genetics (formerly Invitae), Labcorp
Classification: Pathogenic. Last evaluated: 2024-02-11. Review status: criteria provided, single submitter. Criteria: Invitae Variant Classification Sherloc (09022015). Collection method: clinical testing. Allele origin: germline.
Comment: This sequence change creates a premature translational stop signal (p.Gln2197Glyfs*52) in the MYO15A gene. It is expected to result in an absent or disrupted protein product. Loss-of-function variants in MYO15A are known to be pathogenic (PMID: 17546645). This variant is not present in population databases (gnomAD no frequency). This variant has not been reported in the literature in individuals affected with MYO15A-related conditions. For these reasons, this variant has been classified as Pathogenic.

Literature cited by the submitters: PubMed 17546645.